The following is an entry in ClinVar:

ClinVar aggregate classification (germline): Benign (1 of 4 stars; one submission).

Submission:

GeneDx
Classification: Benign. Last evaluated: 2014-03-20. Review status: criteria provided, single submitter. Criteria: GeneDx Variant Classification (06012015). Collection method: clinical testing. Allele origin: germline.
Comment: The variant is found in POF panel(s).

NM_001004311.3:c.+5T>A

Gene: FIGLA (folliculogenesis specific bHLH transcription factor; minus strand). Cytogenetic location: 2p13.3.
Variant type: single nucleotide variant.
Identifiers: ClinVar variation 137378 (VCV000137378.1).